The following is an entry in ClinVar:

ClinVar aggregate classification (germline): Uncertain significance. Review status: criteria provided, multiple submitters, no conflicts (2 of 4 stars). 3 submissions from 3 submitters: Uncertain significance (3). Last evaluated 2025-01-22.

Conditions:
Dilated cardiomyopathy 1J (CMD1J). Also called: CARDIOMYOPATHY, DILATED, WITH SENSORINEURAL HEARING LOSS, AUTOSOMAL DOMINANT. Identifiers: Orphanet 217622, MedGen C1854368, MONDO:0011541, OMIM 605362.
Cardiovascular phenotype. Identifiers: MedGen CN230736.

Allele frequency attached by ClinVar (database versions not stated): gnomAD exomes 0.00001; TOPMed 0.00001; ExAC 0.00002.
gnomAD v4.1: 7 of 1,613,908 alleles (0.00043%); highest among the groups gnomAD compares: Admixed American, 0.0033%; no homozygotes.

Submissions (3):

Labcorp Genetics (formerly Invitae), Labcorp
Classification: Uncertain significance for Dilated cardiomyopathy 1J. Last evaluated: 2025-01-22. Review status: criteria provided, single submitter. Criteria: Invitae Variant Classification Sherloc (09022015). Collection method: clinical testing. Allele origin: germline.
Comment: This sequence change replaces threonine, which is neutral and polar, with isoleucine, which is neutral and non-polar, at codon 228 of the EYA4 protein (p.Thr228Ile). This variant is present in population databases (rs747533734, gnomAD 0.006%). This variant has not been reported in the literature in individuals affected with EYA4-related conditions. ClinVar contains an entry for this variant (Variation ID: 581663). Invitae Evidence Modeling of protein sequence and biophysical properties (such as structural, functional, and spatial information, amino acid conservation, physicochemical variation, residue mobility, and thermodynamic stability) indicates that this missense variant is not expected to disrupt EYA4 protein function with a negative predictive value of 80%. In summary, the available evidence is currently insufficient to determine the role of this variant in disease. Therefore, it has been classified as a Variant of Uncertain Significance.

Ambry Genetics
Classification: Uncertain significance for Cardiovascular phenotype. Last evaluated: 2023-05-30. Review status: criteria provided, single submitter. Criteria: Ambry Variant Classification Scheme 2023. Collection method: clinical testing. Allele origin: germline.
Comment: The p.T228I variant (also known as c.683C>T), located in coding exon 8 of the EYA4 gene, results from a C to T substitution at nucleotide position 683. The threonine at codon 228 is replaced by isoleucine, an amino acid with similar properties. This amino acid position is conserved. In addition, this alteration is predicted to be deleterious by in silico analysis. Since supporting evidence is limited at this time, the clinical significance of this alteration remains unclear.

GeneDx
Classification: Uncertain significance. Last evaluated: 2019-07-08. Review status: criteria provided, single submitter. Criteria: GeneDx Variant Classification Process June 2021. Collection method: clinical testing. Allele origin: germline. Affected: yes.
Comment: Not observed at a significant frequency in large population cohorts (Lek et al., 2016); In silico analysis, which includes protein predictors and evolutionary conservation, supports a deleterious effect; Has not been previously published as pathogenic or benign to our knowledge

NM_004100.5(EYA4):c.683C>T (p.Thr228Ile)

Gene: EYA4 (EYA transcriptional coactivator and phosphatase 4; plus strand). Cytogenetic location: 6q23.2.
Variant type: single nucleotide variant.
Coding change: c.683C>T on transcript NM_004100.5 (MANE Select); coding-DNA position 683, C replaced by T.
Protein change: p.Thr228Ile; replaces threonine 228 with isoleucine.
Molecular consequence: missense variant.
Genome position (GRCh38, 1-based): chr6:133,462,723, C>T. VCF-style: chr6-133462723-C-T. GRCh37 (hg19) VCF-style: chr6-133783861-C-T.
Other names: c.521C>T, p.Thr174Ile (NM_001301012.2, NM_001370459.1); c.683C>T, p.Thr228Ile (NM_001301013.2, NM_172105.4); c.614C>T, p.Thr205Ile (NM_001370458.1, NM_172103.4); short protein forms T228I, T174I, T205I.
Identifiers: ClinVar variation 581663 (VCV000581663.12), dbSNP rs747533734, ClinGen allele CA4008127.
Genomic context (GRCh38, chr6:133,462,723, plus strand): 5'-TTTCCCAAACTCAGTCCCCATTACAGAGTGGCTGCCTCAGTTACAGCCCAGGGTTCTCTA[C>T]CCCACAGCCAGGCCAGACACCTTATTCTTACCAAATGCCAGGTAAGTAGCTACACATGAA-3'
Protein context (NP_004091.3, residues 218-238): GCLSYSPGFS[Thr228Ile]PQPGQTPYSY